The following is an entry in ClinVar:

NM_004360.5(CDH1):c.2388G>A (p.Arg796=)

Gene: CDH1 (cadherin 1; plus strand). Cytogenetic location: 16q22.1.
Variant type: single nucleotide variant.
Coding change: c.2388G>A on transcript NM_004360.5 (MANE Select); coding-DNA position 2388, G replaced by A.
Protein change: p.Arg796=; no amino-acid change (arginine 796 retained).
Molecular consequence: synonymous variant.
Genome position (GRCh38, 1-based): chr16:68,829,746, G>A. VCF-style: chr16-68829746-G-A. GRCh37 (hg19) VCF-style: chr16-68863649-G-A.
Other names: c.2205G>A, p.Arg735= (NM_001317184.2); c.840G>A, p.Arg280= (NM_001317185.2); c.423G>A, p.Arg141= (NM_001317186.2).
Identifiers: ClinVar variation 1790518 (VCV001790518.7), dbSNP rs1287819180, ClinGen allele CA496157473.

ClinVar aggregate classification (germline): Benign/Likely benign. Review status: criteria provided, multiple submitters, no conflicts (2 of 4 stars). 4 submissions from 4 submitters: Benign (1); Likely benign (3). Last evaluated 2025-12-08.

Conditions:
Hereditary diffuse gastric adenocarcinoma (HDGC). Also called: DIFFUSE GASTRIC AND LOBULAR BREAST CANCER SYNDROME. Identifiers: Orphanet 26106, MedGen C1708349, MONDO:0007648, OMIM 137215.
Hereditary cancer-predisposing syndrome. Also called: Neoplastic Syndromes, Hereditary; Tumor predisposition; Hereditary neoplastic syndrome; Hereditary Cancer Syndrome. Identifiers: Orphanet 140162, MedGen C0027672, MeSH D009386, MONDO:0015356.

Submissions (4):

Color Diagnostics, LLC DBA Color Health
Classification: Likely benign for Hereditary cancer-predisposing syndrome. Last evaluated: 2025-12-08. Review status: criteria provided, single submitter. Criteria: ACMG Guidelines, 2015. Collection method: clinical testing. Allele origin: germline.

Myriad Genetics, Inc.
Classification: Benign for Hereditary diffuse gastric adenocarcinoma. Last evaluated: 2024-09-23. Review status: criteria provided, single submitter. Criteria: Myriad Autosomal Dominant, Autosomal Recessive and X-Linked Classification Criteria (2023). Collection method: clinical testing. Allele origin: unknown.
Comment: This variant is considered benign. This variant is a silent/synonymous amino acid change and it is not expected to impact splicing.

Labcorp Genetics (formerly Invitae), Labcorp
Classification: Likely benign for Hereditary diffuse gastric adenocarcinoma. Last evaluated: 2023-07-17. Review status: criteria provided, single submitter. Criteria: Invitae Variant Classification Sherloc (09022015). Collection method: clinical testing. Allele origin: germline.

Ambry Genetics
Classification: Likely benign for Hereditary cancer-predisposing syndrome. Last evaluated: 2021-01-22. Review status: criteria provided, single submitter. Criteria: Ambry Variant Classification Scheme 2023. Collection method: clinical testing. Allele origin: germline.